The following is an entry in ClinVar:

NM_006306.4(SMC1A):c.2862+4A>G

Gene: SMC1A (structural maintenance of chromosomes 1A; minus strand). Cytogenetic location: Xp11.22.
Variant type: single nucleotide variant.
Coding change: c.2862+4A>G on transcript NM_006306.4 (MANE Select); 4 bases into the intron after coding-DNA position 2862, A replaced by G.
Molecular consequence: intron variant.
Genome position (GRCh38, 1-based): chrX:53,396,223, T>C on the plus strand (A>G on the coding strand, the complement: SMC1A is on the minus strand). VCF-style: chrX-53396223-T-C. GRCh37 (hg19) VCF-style: chrX-53423143-T-C.
Other names: c.2796+4A>G (NM_001281463.1).
Identifiers: ClinVar variation 856489 (VCV000856489.7), dbSNP rs1445281439, ClinGen allele CA916082489.

ClinVar aggregate classification (germline): Uncertain significance (1 of 4 stars; one submission).

Conditions:
Congenital muscular hypertrophy-cerebral syndrome (CDLS2). Also called: Cornelia de Lange syndrome 2; SMC1A-Related Cornelia de Lange Syndrome. Identifiers: Orphanet 199, MedGen C1802395, MONDO:0010370, OMIM 300590.

Submission:

Labcorp Genetics (formerly Invitae), Labcorp
Classification: Uncertain significance for Congenital muscular hypertrophy-cerebral syndrome. Last evaluated: 2020-02-07. Review status: criteria provided, single submitter. Criteria: Invitae Variant Classification Sherloc (09022015). Collection method: clinical testing. Allele origin: germline.
Comment: In summary, the available evidence is currently insufficient to determine the role of this variant in disease. Therefore, it has been classified as a Variant of Uncertain Significance. Nucleotide substitutions within the consensus splice site are a relatively common cause of aberrant splicing (PMID: 17576681, 9536098). Algorithms developed to predict the effect of sequence changes on RNA splicing suggest that this variant may disrupt the consensus splice site, but this prediction has not been confirmed by published transcriptional studies. This variant has not been reported in the literature in individuals with SMC1A-related conditions. This variant is not present in population databases (ExAC no frequency). This sequence change falls in intron 18 of the SMC1A gene. It does not directly change the encoded amino acid sequence of the SMC1A protein, but it affects a nucleotide within the consensus splice site of the intron.

Literature cited by the submitters: PubMed 17576681; PubMed 9536098.